The following is an entry in ClinVar:

NM_001110556.2(FLNA):c.1044C>T (p.Pro348=)

Gene: FLNA (filamin A; minus strand). Cytogenetic location: Xq28.
Variant type: single nucleotide variant.
Coding change: c.1044C>T on transcript NM_001110556.2 (MANE Select); coding-DNA position 1044, C replaced by T.
Protein change: p.Pro348=; no amino-acid change (proline 348 retained).
Molecular consequence: synonymous variant.
Genome position (GRCh38, 1-based): chrX:154,366,583, G>A on the plus strand (C>T on the coding strand, the complement: FLNA is on the minus strand). VCF-style: chrX-154366583-G-A. GRCh37 (hg19) VCF-style: chrX-153594951-G-A.
Other names: p.P348P:CCC>CCT; c.1044C>T, p.Pro348= (NM_001456.4).
Identifiers: ClinVar variation 213459 (VCV000213459.26), dbSNP rs375821223, ClinGen allele CA320024.
Genomic context (GRCh38, chrX:154,366,583, plus strand): 5'-GCCTGAGGTCACAAGCCTCCCCCCTGGCCAAGGGCTCACCTTATGAGTCCCCGTCACCTC[G>A]GGGACGTACCAGACGGAGAAGGTGCGGTTCTTGTCGTTATTGGCGGTCACTTTTGCCTGC-3'
Protein context (NP_001104026.1, residues 338-358): KNRTFSVWYV[Pro348=]EVTGTHKVTV

ClinVar aggregate classification (germline): Benign/Likely benign. Review status: criteria provided, multiple submitters, no conflicts (2 of 4 stars). 9 submissions from 9 submitters: Benign (4); Likely benign (2). 3 of the submissions do not count toward it. Last evaluated 2026-02-02.

Conditions:
Oto-palato-digital syndrome, type II (OPD2). Also called: FACIOPALATOOSSEOUS SYNDROME; Otopalatodigital Syndrome, Type II; Otopalatodigital Syndrome Type 2 (FLNA-OPD2); OPD II SYNDROME. Identifiers: Orphanet 669, Orphanet 90652, MedGen C1844696, MONDO:0010571, OMIM 304120.
Heterotopia, periventricular, X-linked dominant (PVNH1). Also called: X-linked periventricular heterotopia; PERIVENTRICULAR NODULAR HETEROTOPIA 1; PERIVENTRICULAR NODULAR HETEROTOPIA 4; HETEROTOPIA, PERIVENTRICULAR, 1. Identifiers: Orphanet 2149, Orphanet 82004, MedGen C1848213, MONDO:0010233, OMIM 300049.
Frontometaphyseal dysplasia (FMD1). Identifiers: Orphanet 1826, MedGen C0265293, MONDO:0015942.
Melnick-Needles syndrome (MNS). Also called: Melnick-Needles Syndrome (FLNA-MNS); MELNICK-NEEDLES OSTEODYSPLASTY; OSTEODYSPLASTY OF MELNICK AND NEEDLES. Identifiers: Orphanet 2484, MedGen C0025237, MONDO:0010650, OMIM 309350.
Familial thoracic aortic aneurysm and aortic dissection (TAAD). Also called: Thoracic aortic aneurysms and dissections. Identifiers: Orphanet 91387, MedGen C4707243, MONDO:0019625.

Allele frequency attached by ClinVar (database versions not stated): ExAC 0.00013; gnomAD exomes 0.00023; gnomAD 0.00030 and 0.00033; TOPMed 0.00039; ESP Exome Variant Server 0.00050.
gnomAD v4.1: 233 of 1,210,570 alleles (0.019%); highest among the groups gnomAD compares: African/African-American, 0.11%; no homozygotes.

Submissions (9):

Labcorp Genetics (formerly Invitae), Labcorp
Classification: Benign for Oto-palato-digital syndrome, type II; Heterotopia, periventricular, X-linked dominant; Frontometaphyseal dysplasia; Melnick-Needles syndrome. Last evaluated: 2026-02-02. Review status: criteria provided, single submitter. Criteria: Invitae Variant Classification Sherloc (09022015). Collection method: clinical testing. Allele origin: germline.

Blueprint Genetics
Classification: Likely benign. Last evaluated: 2024-10-11. Review status: criteria provided, single submitter. Criteria: ACMG Guidelines, 2015. Collection method: clinical testing. Allele origin: germline.

Women's Health and Genetics/Laboratory Corporation of America, LabCorp
Classification: Benign. Last evaluated: 2023-07-21. Review status: criteria provided, single submitter. Criteria: LabCorp Variant Classification Summary - May 2015. Collection method: clinical testing. Allele origin: germline.

ARUP Laboratories, Molecular Genetics and Genomics, ARUP Laboratories
Classification: Likely benign. Last evaluated: 2020-02-12. Review status: criteria provided, single submitter. Criteria: ARUP Molecular Germline Variant Investigation Process. Collection method: clinical testing. Allele origin: germline.

Ambry Genetics
Classification: Benign for Familial thoracic aortic aneurysm and aortic dissection. Last evaluated: 2017-09-29. Review status: criteria provided, single submitter. Criteria: Ambry Variant Classification Scheme 2023. Collection method: clinical testing. Allele origin: germline.

GeneDx
Classification: Benign. Last evaluated: 2015-05-18. Review status: criteria provided, single submitter. Criteria: GeneDx Variant Classification (06012015). Collection method: clinical testing. Allele origin: germline. Affected: yes.
Comment: This variant is considered likely benign or benign based on one or more of the following criteria: it is a conservative change, it occurs at a poorly conserved position in the protein, it is predicted to be benign by multiple in silico algorithms, and/or has population frequency not consistent with disease.

Clinical Genetics DNA and cytogenetics Diagnostics Lab, Erasmus MC, Erasmus Medical Center
Classification: Likely benign. Review status: no assertion criteria provided. Collection method: clinical testing. Allele origin: germline. Affected: yes. Study: VKGL Data-share Consensus. Not counted in ClinVar's aggregate classification.

Genome Diagnostics Laboratory, Amsterdam University Medical Center
Classification: Likely benign. Review status: no assertion criteria provided. Collection method: clinical testing. Allele origin: germline. Affected: yes. Study: VKGL Data-share Consensus. Not counted in ClinVar's aggregate classification.

Genome Diagnostics Laboratory, University Medical Center Utrecht
Classification: Likely benign. Review status: no assertion criteria provided. Collection method: clinical testing. Allele origin: germline. Affected: yes. Study: VKGL Data-share Consensus. Not counted in ClinVar's aggregate classification.